The following is an entry in ClinVar:

ClinVar aggregate classification (germline): Benign (0 of 4 stars; one submission).

Conditions:
LRP1B-related disorder. Also called: LRP1B-related condition.

Allele frequency attached by ClinVar (database versions not stated): gnomAD exomes 0.00058; ExAC 0.00131; 1000 Genomes Project 0.00180; 1000 Genomes Project 30x 0.00219; gnomAD 0.00295; TOPMed 0.00352; ESP Exome Variant Server 0.00361.
gnomAD v4.1: 1,330 of 1,611,100 alleles (0.083%); highest among the groups gnomAD compares: African/African-American, 0.98%; 8 homozygotes.

Submission:

PreventionGenetics, part of Exact Sciences
Classification: Benign for LRP1B-related condition. Last evaluated: 2019-09-23. Review status: no assertion criteria provided. Collection method: clinical testing. Allele origin: germline.
Comment: This variant is classified as benign based on ACMG/AMP sequence variant interpretation guidelines (Richards et al. 2015 PMID: 25741868, with internal and published modifications).

NM_018557.3(LRP1B):c.11361C>T (p.Cys3787=)

Gene: LRP1B (LDL receptor related protein 1B; minus strand). Cytogenetic location: 2q22.1.
Variant type: single nucleotide variant.
Coding change: c.11361C>T on transcript NM_018557.3 (MANE Select); coding-DNA position 11361, C replaced by T.
Protein change: p.Cys3787=; no amino-acid change (cysteine 3787 retained).
Molecular consequence: synonymous variant.
Genome position (GRCh38, 1-based): chr2:140,358,013, G>A on the plus strand (C>T on the coding strand, the complement: LRP1B is on the minus strand). VCF-style: chr2-140358013-G-A. GRCh37 (hg19) VCF-style: chr2-141115582-G-A.
Identifiers: ClinVar variation 3037579 (VCV003037579.2), dbSNP rs35757222, ClinGen allele CA1893112.